The following is an entry in ClinVar:

ClinVar aggregate classification (germline): Uncertain significance. Review status: criteria provided, multiple submitters, no conflicts (2 of 4 stars). 2 submissions from 2 submitters: Uncertain significance (2). Last evaluated 2023-01-31.

Allele frequency attached by ClinVar (database versions not stated): gnomAD exomes below 0.00001; TOPMed 0.00002; gnomAD 0.00003.
gnomAD v4.1: 5 of 1,575,780 alleles (0.00032%); highest among the groups gnomAD compares: African/African-American, 0.0041%; no homozygotes.

Submissions (2):

GeneDx
Classification: Uncertain significance. Last evaluated: 2023-01-31. Review status: criteria provided, single submitter. Criteria: GeneDx Variant Classification Process June 2021. Collection method: clinical testing. Allele origin: germline. Affected: yes.
Comment: Not observed at significant frequency in large population cohorts (gnomAD); In silico analysis supports that this missense variant has a deleterious effect on protein structure/function; Has not been previously published as pathogenic or benign to our knowledge

Labcorp Genetics (formerly Invitae), Labcorp
Classification: Uncertain significance. Last evaluated: 2022-07-01. Review status: criteria provided, single submitter. Criteria: Invitae Variant Classification Sherloc (09022015). Collection method: clinical testing. Allele origin: germline.
Comment: This sequence change replaces threonine, which is neutral and polar, with alanine, which is neutral and non-polar, at codon 530 of the GFM2 protein (p.Thr530Ala). The frequency data for this variant in the population databases is considered unreliable, as metrics indicate poor data quality at this position in the gnomAD database. This variant has not been reported in the literature in individuals affected with GFM2-related conditions. Algorithms developed to predict the effect of missense changes on protein structure and function are either unavailable or do not agree on the potential impact of this missense change (SIFT: "Deleterious"; PolyPhen-2: "Benign"; Align-GVGD: "Class C0"). In summary, the available evidence is currently insufficient to determine the role of this variant in disease. Therefore, it has been classified as a Variant of Uncertain Significance.

NM_032380.5(GFM2):c.1588A>G (p.Thr530Ala)

Gene: GFM2 (GTP dependent ribosome recycling factor mitochondrial 2; minus strand). Cytogenetic location: 5q13.3.
Variant type: single nucleotide variant.
Coding change: c.1588A>G on transcript NM_032380.5 (MANE Select); coding-DNA position 1588, A replaced by G.
Protein change: p.Thr530Ala; replaces threonine 530 with alanine.
Molecular consequence: missense variant.
Genome position (GRCh38, 1-based): chr5:74,730,398, T>C on the plus strand (A>G on the coding strand, the complement: GFM2 is on the minus strand). VCF-style: chr5-74730398-T-C. GRCh37 (hg19) VCF-style: chr5-74026223-T-C.
Other names: c.1588A>G (NM_032380.3); c.1684A>G, p.Thr562Ala (NM_001281302.2); c.1447A>G, p.Thr483Ala (NM_170691.3); short protein forms T530A, T562A, T483A.
Identifiers: ClinVar variation 1931225 (VCV001931225.6), dbSNP rs1054556306, ClinGen allele CA120914275.